The following is an entry in ClinVar:

NM_001408.3(CELSR2):c.3546C>T (p.Asn1182=)

Gene: CELSR2 (cadherin EGF LAG seven-pass G-type receptor 2; plus strand). Cytogenetic location: 1p13.3.
Variant type: single nucleotide variant.
Coding change: c.3546C>T on transcript NM_001408.3 (MANE Select); coding-DNA position 3546, C replaced by T.
Protein change: p.Asn1182=; no amino-acid change (asparagine 1182 retained).
Molecular consequence: synonymous variant.
Genome position (GRCh38, 1-based): chr1:109,258,667, C>T. VCF-style: chr1-109258667-C-T. GRCh37 (hg19) VCF-style: chr1-109801289-C-T.
Identifiers: ClinVar variation 3033110 (VCV003033110.2), dbSNP rs183828529, ClinGen allele CA986966.

ClinVar aggregate classification (germline): Likely benign (0 of 4 stars; one submission).

Conditions:
CELSR2-related disorder. Also called: CELSR2-related condition.

Allele frequency attached by ClinVar (database versions not stated): gnomAD 0.00006; TOPMed 0.00006; 1000 Genomes Project 30x 0.00016; 1000 Genomes Project 0.00020.
gnomAD v4.1: 52 of 1,548,704 alleles (0.0034%); highest among the groups gnomAD compares: East Asian, 0.081%; no homozygotes.

Submission:

PreventionGenetics, part of Exact Sciences
Classification: Likely benign for CELSR2-related condition. Last evaluated: 2019-06-19. Review status: no assertion criteria provided. Collection method: clinical testing. Allele origin: germline.
Comment: This variant is classified as likely benign based on ACMG/AMP sequence variant interpretation guidelines (Richards et al. 2015 PMID: 25741868, with internal and published modifications).